The following is an entry in ClinVar:

NM_144670.6(A2ML1):c.2834A>T (p.Tyr945Phe)

Gene: A2ML1 (alpha-2-macroglobulin like 1; plus strand). Cytogenetic location: 12p13.31.
Variant type: single nucleotide variant.
Coding change: c.2834A>T on transcript NM_144670.6 (MANE Select); coding-DNA position 2834, A replaced by T.
Protein change: p.Tyr945Phe; replaces tyrosine 945 with phenylalanine.
Molecular consequence: missense variant.
Genome position (GRCh38, 1-based): chr12:8,855,578, A>T. VCF-style: chr12-8855578-A-T. GRCh37 (hg19) VCF-style: chr12-9008174-A-T.
Other names: c.1361A>T, p.Tyr454Phe (NM_001282424.3); short protein forms Y945F, Y454F.
Identifiers: ClinVar variation 406200 (VCV000406200.13), dbSNP rs375843284, ClinGen allele CA6436156.

ClinVar aggregate classification (germline): Uncertain significance. Review status: criteria provided, multiple submitters, no conflicts (2 of 4 stars). 3 submissions from 3 submitters: Uncertain significance (3). Last evaluated 2025-10-30.

Conditions:
Otitis media, susceptibility to (OMS). Also called: COME/ROM; OTITIS MEDIA, CHRONIC/RECURRENT. Identifiers: MedGen C1833692, MONDO:0008162, OMIM 166760.

Allele frequency attached by ClinVar (database versions not stated): ESP Exome Variant Server 0.00008; gnomAD 0.00009 and 0.00010; TOPMed 0.00012.
gnomAD v4.1: 17 of 1,613,992 alleles (0.0011%); highest among the groups gnomAD compares: African/African-American, 0.023%; no homozygotes.

Submissions (3):

Labcorp Genetics (formerly Invitae), Labcorp
Classification: Uncertain significance. Last evaluated: 2025-10-30. Review status: criteria provided, single submitter. Criteria: Invitae Variant Classification Sherloc (09022015). Collection method: clinical testing. Allele origin: germline.
Comment: This sequence change replaces tyrosine, which is neutral and polar, with phenylalanine, which is neutral and non-polar, at codon 945 of the A2ML1 protein (p.Tyr945Phe). This variant is present in population databases (rs375843284, gnomAD 0.02%). This variant has not been reported in the literature in individuals affected with A2ML1-related conditions. ClinVar contains an entry for this variant (Variation ID: 406200). An algorithm developed to predict the effect of missense changes on protein structure and function (PolyPhen-2) suggests that this variant is likely to be tolerated. In summary, the available evidence is currently insufficient to determine the role of this variant in disease. Therefore, it has been classified as a Variant of Uncertain Significance.

Ambry Genetics
Classification: Uncertain significance. Last evaluated: 2025-08-07. Review status: criteria provided, single submitter. Criteria: Ambry Variant Classification Scheme 2023. Collection method: clinical testing. Allele origin: germline.

Fulgent Genetics
Classification: Uncertain significance for Otitis media, susceptibility to. Last evaluated: 2022-02-07. Review status: criteria provided, single submitter. Criteria: ACMG Guidelines, 2015. Collection method: clinical testing. Allele origin: unknown.